The following is an entry in ClinVar:

NM_001042432.2(CLN3):c.683del (p.Phe228fs)

Gene: CLN3 (CLN3 lysosomal/endosomal transmembrane protein, battenin; minus strand). Cytogenetic location: 16p12.1.
Variant type: Deletion.
Coding change: c.683del on transcript NM_001042432.2 (MANE Select); coding-DNA position 683, one base deleted (T; older notation c.683delT).
Protein change: p.Phe228fs; shifts the reading frame from phenylalanine 228.
Molecular consequence: frameshift variant.
Genome position (GRCh38, 1-based): chr16:28,484,113, A deleted on the plus strand (T on the coding strand, the reverse complement: CLN3 is on the minus strand); the first of 3 consecutive A bases (chr16:28,484,113-28,484,115); deleting any one gives the same sequence. VCF-style (leftmost placement, unchanged base first): chr16-28484112-GA-G. GRCh37 (hg19) VCF-style: chr16-28495433-GA-G.
Other names: c.683del, p.Phe228fs (NM_000086.2); c.611del, p.Phe204fs (NM_001286104.2); c.383del, p.Phe128fs (NM_001286105.2); c.449del, p.Phe150fs (NM_001286109.2); c.521del, p.Phe174fs (NM_001286110.2); short protein forms F128fs, F174fs, F228fs, F204fs, F150fs.
Identifiers: ClinVar variation 2817182 (VCV002817182.3), dbSNP rs1057516335, ClinGen allele CA2739266694.

ClinVar aggregate classification (germline): Pathogenic (1 of 4 stars; one submission).

Conditions:
Neuronal ceroid lipofuscinosis. Also called: Neuronal Ceroid Lipofuscinoses. Identifiers: Orphanet 216, Orphanet 79263, MedGen C0027877, MONDO:0016295. Disease mechanism: loss of function.

Submission:

Labcorp Genetics (formerly Invitae), Labcorp
Classification: Pathogenic for Neuronal ceroid lipofuscinosis. Last evaluated: 2022-11-28. Review status: criteria provided, single submitter. Criteria: Invitae Variant Classification Sherloc (09022015). Collection method: clinical testing. Allele origin: germline.
Comment: For these reasons, this variant has been classified as Pathogenic. This variant has not been reported in the literature in individuals affected with CLN3-related conditions. This variant is not present in population databases (gnomAD no frequency). This sequence change creates a premature translational stop signal (p.Phe228Serfs*27) in the CLN3 gene. It is expected to result in an absent or disrupted protein product. Loss-of-function variants in CLN3 are known to be pathogenic (PMID: 9311735, 28542676).

Literature cited by the submitters: PubMed 9311735; PubMed 28542676.